The following is an entry in ClinVar:

NM_001042492.3(NF1):c.2447del (p.Arg816fs)

Gene: NF1 (neurofibromin 1; plus strand). Cytogenetic location: 17q11.2.
Variant type: Deletion.
Coding change: c.2447del on transcript NM_001042492.3 (MANE Select); coding-DNA position 2447, one base deleted (G; older notation c.2447delG).
Protein change: p.Arg816fs; shifts the reading frame from arginine 816.
Molecular consequence: frameshift variant.
Genome position (GRCh38, 1-based): chr17:31,229,062, G deleted. VCF-style (leftmost placement, unchanged base first): chr17-31229061-CG-C. GRCh37 (hg19) VCF-style: chr17-29556079-CG-C.
Other names: c.2447delG (NM_000267.3); c.2447delG, p.Arg816Glnfs (NM_000267.4); short protein forms R816fs.
Identifiers: ClinVar variation 996385 (VCV000996385.9), dbSNP rs2067064931, ClinGen allele CA2255564536.

ClinVar aggregate classification (germline): Pathogenic. Review status: criteria provided, multiple submitters, no conflicts (2 of 4 stars). 3 submissions from 3 submitters: Pathogenic (3). Last evaluated 2022-03-15.

Conditions:
Neurofibromatosis, type 1 (NF1). Also called: Neurofibromatosis, type I; VON RECKLINGHAUSEN DISEASE; NEUROFIBROMATOSIS, TYPE I, SOMATIC; Peripheral type neurofibromatosis. Identifiers: Orphanet 636, MedGen C0027831, MONDO:0018975, OMIM 162200. Disease mechanism: loss of function.

Submissions (3):

Genome-Nilou Lab
Classification: Pathogenic for Neurofibromatosis, type 1. Last evaluated: 2022-03-15. Review status: criteria provided, single submitter. Criteria: ACMG Guidelines, 2015. Collection method: clinical testing. Allele origin: germline. Affected: no.

Labcorp Genetics (formerly Invitae), Labcorp
Classification: Pathogenic for Neurofibromatosis, type 1. Last evaluated: 2020-11-05. Review status: criteria provided, single submitter. Criteria: Invitae Variant Classification Sherloc (09022015). Collection method: clinical testing. Allele origin: germline.
Comment: This sequence change creates a premature translational stop signal (p.Arg816Glnfs*5) in the NF1 gene. It is expected to result in an absent or disrupted protein product. Loss-of-function variants in NF1 are known to be pathogenic (PMID: 10712197, 23913538). This variant is not present in population databases (ExAC no frequency). This variant has not been reported in the literature in individuals with NF1-related conditions. For these reasons, this variant has been classified as Pathogenic.

Genome Diagnostics Laboratory, The Hospital for Sick Children
Classification: Pathogenic for Neurofibromatosis, type 1. Last evaluated: 2020-10-26. Review status: criteria provided, single submitter. Criteria: ACMG Guidelines, 2015. Collection method: clinical testing. Allele origin: germline. Affected: yes.

Literature cited by the submitters: PubMed 10712197 (cited by Labcorp Genetics (formerly Invitae), Labcorp); PubMed 23913538 (cited by Labcorp Genetics (formerly Invitae), Labcorp).